The following is an entry in ClinVar:

ClinVar aggregate classification (somatic clinical impact): Tier I - Strong (1 of 4 stars; one submission).

Conditions:
Medulloblastoma non-WNT/non-SHH group 4. Identifiers: MedGen C4330666, MONDO:0956967.

Submission:

Institute for Genomic Medicine (IGM) Clinical Laboratory, Nationwide Children's Hospital
Classification: Tier I - Strong for Medulloblastoma non-WNT/non-SHH group 4. Assertion type: diagnostic. Clinical significance: supports diagnosis. Last evaluated: 2023-06-23. Review status: criteria provided, single submitter. Criteria: AMP/ASCO/CAP Guidelines, 2017. Collection method: clinical testing. Allele origin: somatic. Affected: yes.
Comment: Variant has Tier I (strong) clinical significance as a diagnostic inclusion criterion in medulloblastoma non-WNT/non-SHH group 4, based on the following evidence: 1) Appears in one or more well-established professional guidelines (e.g., World Health Organization [WHO]; National Comprehensive Cancer Network [NCCN]) as providing diagnostic, prognostic, or therapeutic information. 2) Diagnostic for a specific tumor type/classification based on well-powered studies with expert-level consensus (Evidence Level B; PMIDs: 21163964, 28726821, 22820256).

Literature cited by the submitters: PubMed 21163964; PubMed 28726821; PubMed 22820256.

NM_170606.3(KMT2C):c.13849G>A (p.Glu4617Lys)

Gene: KMT2C (lysine methyltransferase 2C; minus strand). Cytogenetic location: 7q36.1.
Variant type: single nucleotide variant.
Coding change: c.13849G>A on transcript NM_170606.3 (MANE Select); coding-DNA position 13849, G replaced by A.
Protein change: p.Glu4617Lys; replaces glutamic acid 4617 with lysine.
Molecular consequence: missense variant.
Genome position (GRCh38, 1-based): chr7:152,148,078, C>T on the plus strand (G>A on the coding strand, the complement: KMT2C is on the minus strand). VCF-style: chr7-152148078-C-T. GRCh37 (hg19) VCF-style: chr7-151845163-C-T.
Other names: short protein forms E4617K.
Identifiers: ClinVar variation 4530497 (VCV004530497.1).